The following is an entry in ClinVar:

NM_001367624.2(ZNF469):c.11772G>A (p.Thr3924=)

Gene: ZNF469 (zinc finger protein 469; plus strand). Cytogenetic location: 16q24.2.
Variant type: single nucleotide variant.
Coding change: c.11772G>A on transcript NM_001367624.2 (MANE Select); coding-DNA position 11772, G replaced by A.
Protein change: p.Thr3924=; no amino-acid change (threonine 3924 retained).
Molecular consequence: synonymous variant.
Genome position (GRCh38, 1-based): chr16:88,439,242, G>A. VCF-style: chr16-88439242-G-A. GRCh37 (hg19) VCF-style: chr16-88505650-G-A.
Other names: NM_001127464.1:c.11688G>A; NM_001127464.2:c.11688G>A.
Identifiers: ClinVar variation 1189422 (VCV001189422.13), dbSNP rs771953783, ClinGen allele CA8225643.

ClinVar aggregate classification (germline): Likely benign. Review status: criteria provided, multiple submitters, no conflicts (2 of 4 stars). 5 submissions from 5 submitters: Likely benign (4). 1 of the submissions does not count toward it. Last evaluated 2026-02-01.

Conditions:
ZNF469-related disorder. Also called: ZNF469-related condition.
Cardiovascular phenotype. Identifiers: MedGen CN230736.

Allele frequency attached by ClinVar (database versions not stated): ExAC 0.00005; gnomAD exomes 0.00005 and 0.00007; TOPMed 0.00013; gnomAD 0.00015 and 0.00016.
gnomAD v4.1: 122 of 1,550,394 alleles (0.0079%); highest among the groups gnomAD compares: African/African-American, 0.047%; no homozygotes.

Submissions (5):

Labcorp Genetics (formerly Invitae), Labcorp
Classification: Likely benign. Last evaluated: 2026-02-01. Review status: criteria provided, single submitter. Criteria: Invitae Variant Classification Sherloc (09022015). Collection method: clinical testing. Allele origin: germline.

Blueprint Genetics
Classification: Likely benign. Last evaluated: 2024-11-27. Review status: criteria provided, single submitter. Criteria: ACMG Guidelines, 2015. Collection method: clinical testing. Allele origin: germline.

GeneDx
Classification: Likely benign. Last evaluated: 2021-05-20. Review status: criteria provided, single submitter. Criteria: GeneDx Variant Classification Process June 2021. Collection method: clinical testing. Allele origin: germline. Affected: yes.

Ambry Genetics
Classification: Likely benign for Cardiovascular phenotype. Last evaluated: 2019-08-02. Review status: criteria provided, single submitter. Criteria: Ambry Variant Classification Scheme 2023. Collection method: clinical testing. Allele origin: germline.

PreventionGenetics, part of Exact Sciences
Classification: Likely benign for ZNF469-related condition. Last evaluated: 2023-09-08. Review status: no assertion criteria provided. Collection method: clinical testing. Allele origin: germline. Not counted in ClinVar's aggregate classification.
Comment: This variant is classified as likely benign based on ACMG/AMP sequence variant interpretation guidelines (Richards et al. 2015 PMID: 25741868, with internal and published modifications).